The following is an entry in ClinVar:

ClinVar aggregate classification (germline): Benign/Likely benign. Review status: criteria provided, multiple submitters, no conflicts (2 of 4 stars). 4 submissions from 4 submitters: Benign (1); Likely benign (3). Last evaluated 2025-11-04.

Conditions:
Hereditary cancer-predisposing syndrome. Also called: Tumor predisposition; Hereditary Cancer Syndrome; Neoplastic Syndromes, Hereditary; Hereditary neoplastic syndrome. Identifiers: Orphanet 140162, MedGen C0027672, MeSH D009386, MONDO:0015356.
Familial cancer of breast. Also called: Hereditary breast cancer; BREAST CANCER, FAMILIAL; hereditary breast carcinoma. Identifiers: Orphanet 227535, MedGen C0346153, MONDO:0016419, OMIM 114480. Disease mechanism: loss of function.
Ataxia-telangiectasia syndrome (AT). Also called: Ataxia telangiectasia (A-T); Cerebello-oculocutaneous telangiectasia; Immunodeficiency with ataxia telangiectasia; LOUIS-BAR SYNDROME; ATAXIA-TELANGIECTASIA, FRESNO VARIANT; Ataxia-telangiectasia, complementation group D. Identifiers: Orphanet 100, MedGen C0004135, MONDO:0008840, OMIM 208900.

gnomAD v4.1: 1 of 1,613,806 alleles (0.000062%); highest among the groups gnomAD compares: Non-Finnish European, 0.000085%; no homozygotes.

Submissions (4):

Labcorp Genetics (formerly Invitae), Labcorp
Classification: Likely benign for Ataxia-telangiectasia syndrome. Last evaluated: 2025-11-04. Review status: criteria provided, single submitter. Criteria: Invitae Variant Classification Sherloc (09022015). Collection method: clinical testing. Allele origin: germline.

Myriad Genetics, Inc.
Classification: Benign for Familial cancer of breast. Last evaluated: 2024-05-09. Review status: criteria provided, single submitter. Criteria: Myriad Autosomal Dominant, Autosomal Recessive and X-Linked Classification Criteria (2023). Collection method: clinical testing. Allele origin: unknown.
Comment: This variant is considered benign. This variant is a silent/synonymous amino acid change and it is not expected to impact splicing.

Ambry Genetics
Classification: Likely benign for Hereditary cancer-predisposing syndrome. Last evaluated: 2023-07-15. Review status: criteria provided, single submitter. Criteria: Ambry Variant Classification Scheme 2023. Collection method: clinical testing. Allele origin: germline.

Color Diagnostics, LLC DBA Color Health
Classification: Likely benign for Hereditary cancer-predisposing syndrome. Last evaluated: 2020-11-03. Review status: criteria provided, single submitter. Criteria: ACMG Guidelines, 2015. Collection method: clinical testing. Allele origin: germline.

NM_000051.4(ATM):c.2625C>T (p.Ser875=)

Gene: ATM (ATM serine/threonine kinase; plus strand). Cytogenetic location: 11q22.3.
Variant type: single nucleotide variant.
Coding change: c.2625C>T on transcript NM_000051.4 (MANE Select); coding-DNA position 2625, C replaced by T.
Protein change: p.Ser875=; no amino-acid change (serine 875 retained).
Molecular consequence: synonymous variant.
Genome position (GRCh38, 1-based): chr11:108,267,329, C>T. VCF-style: chr11-108267329-C-T. GRCh37 (hg19) VCF-style: chr11-108138056-C-T.
Other names: c.2625C>T, p.Ser875= (NM_001351834.2).
Identifiers: ClinVar variation 760126 (VCV000760126.12), dbSNP rs1591588785, ClinGen allele CA476673660.